The following is an entry in ClinVar:

NM_006642.5(SDCCAG8):c.546+5G>C

Gene: SDCCAG8 (SHH signaling and ciliogenesis regulator SDCCAG8; plus strand). Cytogenetic location: 1q43.
Variant type: single nucleotide variant.
Coding change: c.546+5G>C on transcript NM_006642.5 (MANE Select); 5 bases into the intron after coding-DNA position 546, G replaced by C.
Molecular consequence: intron variant.
Genome position (GRCh38, 1-based): chr1:243,286,402, G>C. VCF-style: chr1-243286402-G-C. GRCh37 (hg19) VCF-style: chr1-243449704-G-C.
Other names: c.252+5G>C (NM_001350249.2); c.-828+5G>C (NM_001350251.2); c.546+5G>C (NM_001350248.2); c.-567+5G>C (NM_001350246.2); c.-455+5G>C (NM_001350247.2).
Identifiers: ClinVar variation 4979001 (VCV004979001.1).
Genomic context (GRCh38, chr1:243,286,402, plus strand): 5'-TAAAATCTCAAAGACAAGAGGAGACACTGAGGGAACAAACACTTCTGGATGCATCCGTGA[G>C]CATTATTTTAAATCATAAATTTTATTTTAGTGTGAATATTCCCTTCTGCCCTCTCTCCTC-3'

ClinVar aggregate classification (germline): Uncertain significance (1 of 4 stars; one submission).

Conditions:
SDCCAG8-related disorder. Also called: SDCCAG8-related condition; SDCCAG8-Related Disorders.

gnomAD v4.1: 22 of 1,613,768 alleles (0.0014%); highest among the groups gnomAD compares: Non-Finnish European, 0.0019%; no homozygotes.

Submission:

PreventionGenetics, part of Exact Sciences
Classification: Uncertain significance for SDCCAG8-related condition. Last evaluated: 2026-07-06. Review status: criteria provided, single submitter. Criteria: ACMG Guidelines, 2015. Collection method: clinical testing. Allele origin: germline.
Comment: The SDCCAG8 c.546+5G>C variant is predicted to interfere with splicing. This variant is predicted to alter splicing based on available splicing prediction programs (SpliceAI, Jaganathan et al. 2019. PubMed ID: 30661751). To our knowledge, this variant has not been reported in the literature. This variant is reported in 0.00088% of alleles in individuals of European (Non-Finnish) descent in gnomAD. At this time, the clinical significance of this variant is uncertain due to the absence of conclusive functional and genetic evidence.